The following is an entry in ClinVar:

NM_001042492.3(NF1):c.809A>T (p.Gln270Leu)

Gene: NF1 (neurofibromin 1; plus strand). Cytogenetic location: 17q11.2.
Variant type: single nucleotide variant.
Coding change: c.809A>T on transcript NM_001042492.3 (MANE Select); coding-DNA position 809, A replaced by T.
Protein change: p.Gln270Leu; replaces glutamine 270 with leucine.
Molecular consequence: missense variant.
Genome position (GRCh38, 1-based): chr17:31,182,586, A>T. VCF-style: chr17-31182586-A-T. GRCh37 (hg19) VCF-style: chr17-29509604-A-T.
Other names: c.809A>T, p.Gln270Leu (NM_000267.4, NM_001128147.3); short protein forms Q270L.
Identifiers: ClinVar variation 1761976 (VCV001761976.7), dbSNP rs1597659939, ClinGen allele CA398990939.

ClinVar aggregate classification (germline): Uncertain significance. Review status: criteria provided, multiple submitters, no conflicts (2 of 4 stars). 2 submissions from 2 submitters: Uncertain significance (2). Last evaluated 2024-05-07.

Conditions:
Neurofibromatosis, type 1 (NF1). Also called: Peripheral type neurofibromatosis; VON RECKLINGHAUSEN DISEASE; NEUROFIBROMATOSIS, TYPE I, SOMATIC; Neurofibromatosis, type I. Identifiers: Orphanet 636, MedGen C0027831, MONDO:0018975, OMIM 162200. Disease mechanism: loss of function.
Cardiovascular phenotype. Identifiers: MedGen CN230736.
Hereditary cancer-predisposing syndrome. Also called: Neoplastic Syndromes, Hereditary; Tumor predisposition; Hereditary neoplastic syndrome; Hereditary Cancer Syndrome. Identifiers: Orphanet 140162, MedGen C0027672, MeSH D009386, MONDO:0015356.

Submissions (2):

Labcorp Genetics (formerly Invitae), Labcorp
Classification: Uncertain significance for Neurofibromatosis, type 1. Last evaluated: 2024-05-07. Review status: criteria provided, single submitter. Criteria: Invitae Variant Classification Sherloc (09022015). Collection method: clinical testing. Allele origin: germline.
Comment: This sequence change replaces glutamine, which is neutral and polar, with leucine, which is neutral and non-polar, at codon 270 of the NF1 protein (p.Gln270Leu). This variant is not present in population databases (gnomAD no frequency). This variant has not been reported in the literature in individuals affected with NF1-related conditions. ClinVar contains an entry for this variant (Variation ID: 1761976). Advanced modeling of protein sequence and biophysical properties (such as structural, functional, and spatial information, amino acid conservation, physicochemical variation, residue mobility, and thermodynamic stability) performed at Invitae indicates that this missense variant is expected to disrupt NF1 protein function with a positive predictive value of 95%. RNA analysis performed to evaluate the impact of this missense change on mRNA splicing indicates it does not significantly alter splicing (Invitae). In summary, the available evidence is currently insufficient to determine the role of this variant in disease. Therefore, it has been classified as a Variant of Uncertain Significance.

Ambry Genetics
Classification: Uncertain significance for Cardiovascular phenotype; Hereditary cancer-predisposing syndrome. Last evaluated: 2021-09-16. Review status: criteria provided, single submitter. Criteria: Ambry Variant Classification Scheme 2023. Collection method: clinical testing. Allele origin: germline.
Comment: The p.Q270L variant (also known as c.809A>T), located in coding exon 8 of the NF1 gene, results from an A to T substitution at nucleotide position 809. The glutamine at codon 270 is replaced by leucine, an amino acid with dissimilar properties. This amino acid position is highly conserved in available vertebrate species. In addition, this alteration is predicted to be deleterious by in silico analysis. Since supporting evidence is limited at this time, the clinical significance of this alteration remains unclear.